The following is an entry in ClinVar:

ClinVar aggregate classification (germline): Likely benign. Review status: criteria provided, multiple submitters, no conflicts (2 of 4 stars). 4 submissions from 4 submitters: Likely benign (4). Last evaluated 2025-09-13.

Conditions:
SDHA-related disorder. Also called: SDHA-related condition; SDHA-related disorders.
Hereditary cancer-predisposing syndrome. Also called: Hereditary neoplastic syndrome; Neoplastic Syndromes, Hereditary; Tumor predisposition; Hereditary Cancer Syndrome. Identifiers: Orphanet 140162, MedGen C0027672, MeSH D009386, MONDO:0015356.
Mitochondrial complex II deficiency, nuclear type 1. Also called: SUCCINATE CoQ REDUCTASE DEFICIENCY. Identifiers: Orphanet 3208, MedGen C5700310, MONDO:0100294, OMIM 252011.
Pheochromocytoma/paraganglioma syndrome 5. Also called: Paragangliomas 5; SDHA-Related Hereditary Paraganglioma-Pheochromocytoma Syndrome. Identifiers: Orphanet 29072, MedGen C3279992, MONDO:0013602, OMIM 614165.

Allele frequency attached by ClinVar (database versions not stated): gnomAD 0.00001; gnomAD exomes 0.00001; ExAC 0.00002; TOPMed 0.00003.
gnomAD v4.1: 10 of 1,614,118 alleles (0.00062%); highest among the groups gnomAD compares: East Asian, 0.0022%; no homozygotes.

Submissions (4):

PreventionGenetics, part of Exact Sciences
Classification: Likely benign for SDHA-related condition. Last evaluated: 2025-09-13. Review status: criteria provided, single submitter. Criteria: ACMG Guidelines, 2015. Collection method: clinical testing. Allele origin: germline.
Comment: This variant is classified as likely benign based on ACMG/AMP sequence variant interpretation guidelines (Richards et al. 2015 PMID: 25741868, with internal and published modifications).

Labcorp Genetics (formerly Invitae), Labcorp
Classification: Likely benign for Pheochromocytoma/paraganglioma syndrome 5; Mitochondrial complex II deficiency, nuclear type 1. Last evaluated: 2025-01-14. Review status: criteria provided, single submitter. Criteria: Invitae Variant Classification Sherloc (09022015). Collection method: clinical testing. Allele origin: germline.

CeGaT Center for Human Genetics Tuebingen
Classification: Likely benign. Last evaluated: 2024-03-01. Review status: criteria provided, single submitter. Criteria: CeGaT Center For Human Genetics Tuebingen Variant Classification Criteria Version 2. Collection method: clinical testing. Allele origin: germline. Affected: yes. Observed: 1 variant allele.
Comment: SDHA: BP4, BP7

Ambry Genetics
Classification: Likely benign for Hereditary cancer-predisposing syndrome. Last evaluated: 2019-12-20. Review status: criteria provided, single submitter. Criteria: Ambry Variant Classification Scheme 2023. Collection method: clinical testing. Allele origin: germline.

NM_004168.4(SDHA):c.996T>C (p.Pro332=)

Gene: SDHA (succinate dehydrogenase complex flavoprotein subunit A; plus strand). Cytogenetic location: 5p15.33.
Variant type: single nucleotide variant.
Coding change: c.996T>C on transcript NM_004168.4 (MANE Select); coding-DNA position 996, T replaced by C.
Protein change: p.Pro332=; no amino-acid change (proline 332 retained).
Molecular consequence: synonymous variant.
Genome position (GRCh38, 1-based): chr5:233,577, T>C. VCF-style: chr5-233577-T-C. GRCh37 (hg19) VCF-style: chr5-233692-T-C.
Other names: c.852T>C, p.Pro284= (NM_001294332.2); c.996T>C, p.Pro332= (NM_001330758.2); c.996T>C (NM_004168.3).
Identifiers: ClinVar variation 1768774 (VCV001768774.26), dbSNP rs1062467, ClinGen allele CA3173059.
Genomic context (GRCh38, chr5:233,577, plus strand): 5'-TGGAGAGGGAGGCATTCTCATTAACAGTCAAGGCGAAAGGTTTATGGAGCGATACGCCCC[T>C]GTCGCGAAGGACCTGGCGTCTAGAGATGTGGTGTCTCGGTCCATGACTCTGGAGATCCGA-3'
Protein context (NP_004159.2, residues 322-342): QGERFMERYA[Pro332=]VAKDLASRDV